The following is an entry in ClinVar:

ClinVar aggregate classification (germline): Likely pathogenic (1 of 4 stars; one submission).

Conditions:
Mitochondrial DNA depletion syndrome 9 (MTDPS9). Also called: SUCLG1-Related Mitochondrial DNA Depletion Syndrome, Encephalomyopathic Form with Methylmalonic Aciduria. Identifiers: Orphanet 17, MedGen C3151476, MONDO:0009504, OMIM 245400.

Submission:

Labcorp Genetics (formerly Invitae), Labcorp
Classification: Likely pathogenic for Mitochondrial DNA depletion syndrome 9. Last evaluated: 2025-08-12. Review status: criteria provided, single submitter. Criteria: Invitae Variant Classification Sherloc (09022015). Collection method: clinical testing. Allele origin: germline.
Comment: This sequence change affects an acceptor splice site in intron 3 of the SUCLG1 gene. It is expected to disrupt RNA splicing. Variants that disrupt the donor or acceptor splice site typically lead to a loss of protein function (PMID: 16199547), and loss-of-function variants in SUCLG1 are known to be pathogenic (PMID: 20693550). This variant is present in population databases (no rsID available, gnomAD 0.003%). Disruption of this splice site has been observed in individual(s) with mitochondrial DNA depletion syndrome (PMID: 21093335). This variant is also known as c.280-1G>A. ClinVar contains an entry for this variant (Variation ID: 2734239). Algorithms developed to predict the effect of sequence changes on RNA splicing suggest that this variant may disrupt the consensus splice site. In summary, the currently available evidence indicates that the variant is pathogenic, but additional data are needed to prove that conclusively. Therefore, this variant has been classified as Likely Pathogenic.

Literature cited by the submitters: PubMed 16199547; PubMed 20693550; PubMed 21093335.

NM_003849.4(SUCLG1):c.319-1G>A

Gene: SUCLG1 (succinate-CoA ligase GDP/ADP-forming subunit alpha; minus strand). Cytogenetic location: 2p11.2.
Variant type: single nucleotide variant.
Coding change: c.319-1G>A on transcript NM_003849.4 (MANE Select); the canonical splice acceptor site of the intron before coding-DNA position 319, G replaced by A.
Molecular consequence: splice acceptor variant.
Genome position (GRCh38, 1-based): chr2:84,441,460, C>T on the plus strand (G>A on the coding strand, the complement: SUCLG1 is on the minus strand). VCF-style: chr2-84441460-C-T. GRCh37 (hg19) VCF-style: chr2-84668584-C-T.
Identifiers: ClinVar variation 2734239 (VCV002734239.3), dbSNP rs1478044147, ClinGen allele CA347515994.